The following is an entry in ClinVar:

ClinVar aggregate classification (germline): Likely pathogenic (1 of 4 stars; one submission).

Conditions:
Developmental and epileptic encephalopathy, 9 (DEE9). Also called: Early infantile epileptic encephalopathy 9; EPILEPSY, FEMALE-RESTRICTED, WITH MENTAL RETARDATION; JUBERG-HELLMAN SYNDROME; PCDH19-Related X-Linked Female-Limited Epilepsy with Mental Retardation. Identifiers: Orphanet 101039, Orphanet 2076, MedGen C1848137, MONDO:0010246, OMIM 300088. Disease mechanism: loss of function.

Submission:

Labcorp Genetics (formerly Invitae), Labcorp
Classification: Likely pathogenic for Developmental and epileptic encephalopathy, 9. Last evaluated: 2022-08-16. Review status: criteria provided, single submitter. Criteria: Invitae Variant Classification Sherloc (09022015). Collection method: clinical testing. Allele origin: germline.
Comment: This sequence change replaces proline, which is neutral and non-polar, with serine, which is neutral and polar, at codon 323 of the PCDH19 protein (p.Pro323Ser). In summary, the currently available evidence indicates that the variant is pathogenic, but additional data are needed to prove that conclusively. Therefore, this variant has been classified as Likely Pathogenic. This variant disrupts the p.Pro323 amino acid residue in PCDH19. Other variant(s) that disrupt this residue have been determined to be pathogenic (Invitae). This suggests that this residue is clinically significant, and that variants that disrupt this residue are likely to be disease-causing. Advanced modeling of protein sequence and biophysical properties (such as structural, functional, and spatial information, amino acid conservation, physicochemical variation, residue mobility, and thermodynamic stability) performed at Invitae indicates that this missense variant is expected to disrupt PCDH19 protein function. ClinVar contains an entry for this variant (Variation ID: 1488181). This variant has not been reported in the literature in individuals affected with PCDH19-related conditions. This variant is not present in population databases (gnomAD no frequency).

NM_001184880.2(PCDH19):c.967C>T (p.Pro323Ser)

Gene: PCDH19 (protocadherin 19; minus strand). Cytogenetic location: Xq22.1.
Variant type: single nucleotide variant.
Coding change: c.967C>T on transcript NM_001184880.2 (MANE Select); coding-DNA position 967, C replaced by T.
Protein change: p.Pro323Ser; replaces proline 323 with serine.
Molecular consequence: missense variant.
Genome position (GRCh38, 1-based): chrX:100,407,631, G>A on the plus strand (C>T on the coding strand, the complement: PCDH19 is on the minus strand). VCF-style: chrX-100407631-G-A. GRCh37 (hg19) VCF-style: chrX-99662629-G-A.
Other names: c.967C>T, p.Pro323Ser (NM_001105243.2, NM_020766.3); short protein forms P323S.
Identifiers: ClinVar variation 1488181 (VCV001488181.8), dbSNP rs2147540049, ClinGen allele CA414004900.